The following is an entry in ClinVar:

NM_004333.6(BRAF):c.1277G>A (p.Arg426Lys)

Gene: BRAF (B-Raf proto-oncogene, serine/threonine kinase; minus strand). Cytogenetic location: 7q34.
Variant type: single nucleotide variant.
Coding change: c.1277G>A on transcript NM_004333.6 (MANE Select); coding-DNA position 1277, G replaced by A.
Protein change: p.Arg426Lys; replaces arginine 426 with lysine.
Molecular consequence: missense variant.
Genome position (GRCh38, 1-based): chr7:140,783,058, C>T on the plus strand (G>A on the coding strand, the complement: BRAF is on the minus strand). VCF-style: chr7-140783058-C-T. GRCh37 (hg19) VCF-style: chr7-140482858-C-T.
Other names: c.1277G>A, p.Arg426Lys (NM_001354609.2, NM_001378468.1, NM_001378474.1); c.1397G>A, p.Arg466Lys (NM_001374244.1, NM_001374258.1); c.1286G>A, p.Arg429Lys (NM_001378467.1); c.1211G>A, p.Arg404Lys (NM_001378469.1); c.1175G>A, p.Arg392Lys (NM_001378470.1); c.1166G>A, p.Arg389Lys (NM_001378471.1); c.1121G>A, p.Arg374Lys (NM_001378472.1, NM_001378473.1); c.1013G>A, p.Arg338Lys (NM_001378475.1); short protein forms R466K, R404K, R389K, R392K, R426K, R338K, R374K, R429K.
Identifiers: ClinVar variation 4215018 (VCV004215018.1).

ClinVar aggregate classification (germline): Uncertain significance (1 of 4 stars; one submission).

Conditions:
Cardiovascular phenotype. Identifiers: MedGen CN230736.

Submission:

Ambry Genetics
Classification: Uncertain significance for Cardiovascular phenotype. Last evaluated: 2025-07-12. Review status: criteria provided, single submitter. Criteria: Ambry Variant Classification Scheme 2023. Collection method: clinical testing. Allele origin: germline.
Comment: The p.R426K variant (also known as c.1277G>A), located in coding exon 10 of the BRAF gene, results from a G to A substitution at nucleotide position 1277. The arginine at codon 426 is replaced by lysine, an amino acid with highly similar properties. This amino acid position is conserved. In addition, the in silico prediction for this alteration is inconclusive. Based on the available evidence, the clinical significance of this variant remains unclear.